The following is an entry in ClinVar:

NM_006231.4(POLE):c.3203T>C (p.Met1068Thr)

Gene: POLE (DNA polymerase epsilon, catalytic subunit; minus strand). Cytogenetic location: 12q24.33.
Variant type: single nucleotide variant.
Coding change: c.3203T>C on transcript NM_006231.4 (MANE Select); coding-DNA position 3203, T replaced by C.
Protein change: p.Met1068Thr; replaces methionine 1068 with threonine.
Molecular consequence: missense variant.
Genome position (GRCh38, 1-based): chr12:132,659,367, A>G on the plus strand (T>C on the coding strand, the complement: POLE is on the minus strand). VCF-style: chr12-132659367-A-G. GRCh37 (hg19) VCF-style: chr12-133235953-A-G.
Other names: c.3203T>C (NM_006231.2); short protein forms M1068T.
Identifiers: ClinVar variation 567204 (VCV000567204.12), dbSNP rs375338204, ClinGen allele CA6893341.

ClinVar aggregate classification (germline): Uncertain significance. Review status: criteria provided, multiple submitters, no conflicts (2 of 4 stars). 2 submissions from 2 submitters: Uncertain significance (2). Last evaluated 2025-12-09.

Conditions:
Hereditary cancer-predisposing syndrome. Also called: Neoplastic Syndromes, Hereditary; Tumor predisposition; Hereditary neoplastic syndrome; Hereditary Cancer Syndrome. Identifiers: Orphanet 140162, MedGen C0027672, MeSH D009386, MONDO:0015356.

Allele frequency attached by ClinVar (database versions not stated): gnomAD exomes below 0.00001 and 0.00001; ExAC 0.00001; gnomAD 0.00001; TOPMed 0.00001; ESP Exome Variant Server 0.00008.

Submissions (2):

Labcorp Genetics (formerly Invitae), Labcorp
Classification: Uncertain significance. Last evaluated: 2025-12-09. Review status: criteria provided, single submitter. Criteria: Invitae Variant Classification Sherloc (09022015). Collection method: clinical testing. Allele origin: germline.
Comment: This sequence change replaces methionine, which is neutral and non-polar, with threonine, which is neutral and polar, at codon 1068 of the POLE protein (p.Met1068Thr). This variant is present in population databases (rs375338204, gnomAD 0.007%). This variant has not been reported in the literature in individuals affected with POLE-related conditions. ClinVar contains an entry for this variant (Variation ID: 567204). Invitae Evidence Modeling of protein sequence and biophysical properties (such as structural, functional, and spatial information, amino acid conservation, physicochemical variation, residue mobility, and thermodynamic stability) indicates that this missense variant is expected to disrupt POLE protein function with a positive predictive value of 80%. In summary, the available evidence is currently insufficient to determine the role of this variant in disease. Therefore, it has been classified as a Variant of Uncertain Significance.

Ambry Genetics
Classification: Uncertain significance for Hereditary cancer-predisposing syndrome. Last evaluated: 2024-12-13. Review status: criteria provided, single submitter. Criteria: Ambry Variant Classification Scheme 2023. Collection method: clinical testing. Allele origin: germline.
Comment: The p.M1068T variant (also known as c.3203T>C), located in coding exon 26 of the POLE gene, results from a T to C substitution at nucleotide position 3203. The methionine at codon 1068 is replaced by threonine, an amino acid with similar properties. This amino acid position is highly conserved in available vertebrate species. In addition, this alteration is predicted to be deleterious by in silico analysis. Based on the available evidence, the clinical significance of this variant remains unclear.